The following is an entry in ClinVar:

ClinVar aggregate classification (germline): Uncertain significance (1 of 4 stars; one submission).

Conditions:
Neurofibromatosis, type 1 (NF1). Also called: Neurofibromatosis, type I; VON RECKLINGHAUSEN DISEASE; Peripheral type neurofibromatosis; NEUROFIBROMATOSIS, TYPE I, SOMATIC. Identifiers: Orphanet 636, MedGen C0027831, MONDO:0018975, OMIM 162200. Disease mechanism: loss of function.

gnomAD v4.1: 1 of 1,613,886 alleles (0.000062%); highest among the groups gnomAD compares: Non-Finnish European, 0.000085%; no homozygotes.

Submission:

Labcorp Genetics (formerly Invitae), Labcorp
Classification: Uncertain significance for Neurofibromatosis, type 1. Last evaluated: 2021-10-06. Review status: criteria provided, single submitter. Criteria: Invitae Variant Classification Sherloc (09022015). Collection method: clinical testing. Allele origin: germline.
Comment: This variant is not present in population databases (ExAC no frequency). This sequence change falls in intron 37 of the NF1 gene. It does not directly change the encoded amino acid sequence of the NF1 protein. It affects a nucleotide within the consensus splice site of the intron. This variant has not been reported in the literature in individuals affected with NF1-related conditions. In summary, the available evidence is currently insufficient to determine the role of this variant in disease. Therefore, it has been classified as a Variant of Uncertain Significance. Variants that disrupt the consensus splice site are a relatively common cause of aberrant splicing (PMID: 17576681, 9536098). Algorithms developed to predict the effect of sequence changes on RNA splicing suggest that this variant is not likely to affect RNA splicing.

Literature cited by the submitters: PubMed 17576681; PubMed 9536098.

NM_001042492.3(NF1):c.5610-3T>C

Gene: NF1 (neurofibromin 1; plus strand). Cytogenetic location: 17q11.2.
Variant type: single nucleotide variant.
Coding change: c.5610-3T>C on transcript NM_001042492.3 (MANE Select); 3 bases into the intron before coding-DNA position 5610, T replaced by C.
Molecular consequence: intron variant.
Genome position (GRCh38, 1-based): chr17:31,330,293, T>C. VCF-style: chr17-31330293-T-C. GRCh37 (hg19) VCF-style: chr17-29657311-T-C.
Other names: c.5547-3T>C (NM_000267.4).
Identifiers: ClinVar variation 858970 (VCV000858970.6), dbSNP rs2069447812, ClinGen allele CA916080634.